The following is an entry in ClinVar:

NM_000091.5(COL4A3):c.1114+1G>A

Genes: COL4A3 (collagen type IV alpha 3 chain; plus strand), MFF-DT (MFF divergent transcript; minus strand). Cytogenetic location: 2q36.3.
Variant type: single nucleotide variant.
Coding change: c.1114+1G>A on transcript NM_000091.5 (MANE Select); the canonical splice donor site of the intron after coding-DNA position 1114, G replaced by A.
Molecular consequence: splice donor variant.
Genome position (GRCh38, 1-based): chr2:227,259,878, G>A. VCF-style: chr2-227259878-G-A. GRCh37 (hg19) VCF-style: chr2-228124594-G-A.
Identifiers: ClinVar variation 1496550 (VCV001496550.11), dbSNP rs1286895614, ClinGen allele CA350868528.

ClinVar aggregate classification (germline): Likely pathogenic. Review status: criteria provided, multiple submitters, no conflicts (2 of 4 stars). 4 submissions from 4 submitters: Likely pathogenic (4). Last evaluated 2025-07-16.

Conditions:
Autosomal dominant Alport syndrome (ATS3A). Also called: ALPORT SYNDROME 3A, AUTOSOMAL DOMINANT; Alport syndrome dominant type; Renal failure and sensorineural hearing loss. Identifiers: Orphanet 63, Orphanet 88918, MedGen C5882663, MONDO:0007086, OMIM 104200.
COL4A3-related disorder. Also called: COL4A3-related condition; COL4A3-Related Disorders.
Autosomal recessive Alport syndrome (ATS2). Also called: Alport syndrome type 2; COL4A3-Related Nephropathy; ALPORT SYNDROME 2, AUTOSOMAL RECESSIVE; COL4A4 Alport Syndrome and Thin Basement Membrane Nephropathy. Identifiers: Orphanet 63, Orphanet 88919, MedGen C4746745, MONDO:0008762, OMIM 203780.
Benign familial hematuria. Also called: thin basement membrane disease. Identifiers: MedGen C0241908, MONDO:0957317.

gnomAD v4.1: 3 of 1,610,442 alleles (0.00019%); highest among the groups gnomAD compares: Non-Finnish European, 0.00025%; no homozygotes.

Submissions (4):

MVZ Martinsried, Medicover Genetics
Classification: Likely pathogenic for Autosomal dominant Alport syndrome. Last evaluated: 2025-07-16. Review status: criteria provided, single submitter. Criteria: ClinGen Variant Curation SOP V3.2 + Classification Guidance July2025. Collection method: clinical testing. Allele origin: inherited. Observed: 1 heterozygote.

Blueprint Genetics
Classification: Likely pathogenic for COL4A3-related disorders. Last evaluated: 2024-08-06. Review status: criteria provided, single submitter. Criteria: ACMG Guidelines, 2015. Collection method: clinical testing. Allele origin: germline. Affected: yes. Observed: 3 variant alleles.

Fulgent Genetics
Classification: Likely pathogenic for Autosomal dominant Alport syndrome; Hematuria, benign familial, 1; Autosomal recessive Alport syndrome. Last evaluated: 2022-03-29. Review status: criteria provided, single submitter. Criteria: ACMG Guidelines, 2015. Collection method: clinical testing. Allele origin: unknown.

Labcorp Genetics (formerly Invitae), Labcorp
Classification: Likely pathogenic. Last evaluated: 2021-06-17. Review status: criteria provided, single submitter. Criteria: Invitae Variant Classification Sherloc (09022015). Collection method: clinical testing. Allele origin: germline.
Comment: This sequence change affects a donor splice site in intron 19 of the COL4A3 gene. It is expected to disrupt RNA splicing. Variants that disrupt the donor or acceptor splice site typically lead to a loss of protein function (PMID: 16199547), and loss-of-function variants in COL4A3 are known to be pathogenic (PMID: 8956999, 24854265, 26809805, 27281700). In summary, the currently available evidence indicates that the variant is pathogenic, but additional data are needed to prove that conclusively. Therefore, this variant has been classified as Likely Pathogenic. Algorithms developed to predict the effect of sequence changes on RNA splicing suggest that this variant may disrupt the consensus splice site, but this prediction has not been confirmed by published transcriptional studies. This variant has not been reported in the literature in individuals with COL4A3-related conditions. This variant is not present in population databases (ExAC no frequency).

Literature cited by the submitters: PubMed 16199547 (cited by Labcorp Genetics (formerly Invitae), Labcorp); PubMed 8956999 (cited by Labcorp Genetics (formerly Invitae), Labcorp); PubMed 24854265 (cited by Labcorp Genetics (formerly Invitae), Labcorp); PubMed 26809805 (cited by Labcorp Genetics (formerly Invitae), Labcorp); PubMed 27281700 (cited by Labcorp Genetics (formerly Invitae), Labcorp).